The following is an entry in ClinVar:

NM_033026.6(PCLO):c.7309A>G (p.Ile2437Val)

Gene: PCLO (piccolo presynaptic cytomatrix protein; minus strand). Cytogenetic location: 7q21.11.
Variant type: single nucleotide variant.
Coding change: c.7309A>G on transcript NM_033026.6 (MANE Select); coding-DNA position 7309, A replaced by G.
Protein change: p.Ile2437Val; replaces isoleucine 2437 with valine.
Molecular consequence: missense variant.
Genome position (GRCh38, 1-based): chr7:82,953,644, T>C on the plus strand (A>G on the coding strand, the complement: PCLO is on the minus strand). VCF-style: chr7-82953644-T-C. GRCh37 (hg19) VCF-style: chr7-82582960-T-C.
Other names: c.7309A>G, p.Ile2437Val (NM_014510.3); short protein forms I2437V.
Identifiers: ClinVar variation 1359025 (VCV001359025.5), dbSNP rs1340862988, ClinGen allele CA367917267.

ClinVar aggregate classification (germline): Uncertain significance (1 of 4 stars; one submission).

Allele frequency attached by ClinVar (database versions not stated): gnomAD 0.00001; gnomAD exomes 0.00001.
gnomAD v4.1: 20 of 1,582,086 alleles (0.0013%); highest among the groups gnomAD compares: Non-Finnish European, 0.0015%; no homozygotes.

Submission:

Labcorp Genetics (formerly Invitae), Labcorp
Classification: Uncertain significance. Last evaluated: 2022-10-18. Review status: criteria provided, single submitter. Criteria: Invitae Variant Classification Sherloc (09022015). Collection method: clinical testing. Allele origin: germline.
Comment: This sequence change replaces isoleucine, which is neutral and non-polar, with valine, which is neutral and non-polar, at codon 2437 of the PCLO protein (p.Ile2437Val). This variant is present in population databases (no rsID available, gnomAD 0.004%). This variant has not been reported in the literature in individuals affected with PCLO-related conditions. ClinVar contains an entry for this variant (Variation ID: 1359025). Algorithms developed to predict the effect of missense changes on protein structure and function output the following: SIFT: "Tolerated"; PolyPhen-2: "Not Available"; Align-GVGD: "Class C0". The valine amino acid residue is found in multiple mammalian species, which suggests that this missense change does not adversely affect protein function. In summary, the available evidence is currently insufficient to determine the role of this variant in disease. Therefore, it has been classified as a Variant of Uncertain Significance.